The following is an entry in ClinVar:

ClinVar aggregate classification (germline): Conflicting classifications of pathogenicity. Review status: criteria provided, conflicting classifications (1 of 4 stars). 4 submissions from 4 submitters: Uncertain significance (1); Likely benign (2). 1 of the submissions does not count toward it. Last evaluated 2024-11-06.

Conditions:
Familial thoracic aortic aneurysm and aortic dissection (TAAD). Also called: Thoracic aortic aneurysms and dissections. Identifiers: Orphanet 91387, MedGen C4707243, MONDO:0019625.
ACTA2-related disorder. Also called: ACTA2-related condition; ACTA2-related disorders.
Aortic aneurysm, familial thoracic 6 (AAT6). Also called: FAMILIAL THORACIC AORTIC ANEURYSM WITH LIVEDO RETICULARIS AND IRIS FLOCCULI. Identifiers: MedGen C2673186, MONDO:0012730, OMIM 611788.

Allele frequency attached by ClinVar (database versions not stated): gnomAD exomes below 0.00001; ExAC 0.00001.
gnomAD v4.1: 2 of 1,613,898 alleles (0.00012%); highest among the groups gnomAD compares: Middle Eastern, 0.017%; no homozygotes.

Submissions (4):

Labcorp Genetics (formerly Invitae), Labcorp
Classification: Likely benign for Aortic aneurysm, familial thoracic 6. Last evaluated: 2024-11-06. Review status: criteria provided, single submitter. Criteria: Invitae Variant Classification Sherloc (09022015). Collection method: clinical testing. Allele origin: germline.

Ambry Genetics
Classification: Likely benign for Familial thoracic aortic aneurysm and aortic dissection. Last evaluated: 2024-10-08. Review status: criteria provided, single submitter. Criteria: Ambry Variant Classification Scheme 2023. Collection method: clinical testing. Allele origin: germline.

All of Us Research Program, National Institutes of Health
Classification: Uncertain significance for Familial thoracic aortic aneurysm and aortic dissection. Last evaluated: 2023-08-15. Review status: criteria provided, single submitter. Criteria: ACMG Guidelines, 2015. Collection method: clinical testing. Allele origin: germline. Inheritance: Autosomal dominant inheritance. Observed: 1 variant allele, 1 heterozygote.
Comment: This variant is located in the ACTA2 protein. To our knowledge, functional studies have not been reported for this variant. This variant has not been reported in individuals affected with ACTA2-related disorders in the literature. This variant has been identified in 1/251062 chromosomes in the general population by the Genome Aggregation Database (gnomAD). The available evidence is insufficient to determine the role of this variant in disease conclusively. Therefore, this variant is classified as a Variant of Uncertain Significance.

This study involves interpretation of variants in research participants for the purpose of population health screening. Participant phenotype was not available at the time of variant classification. Additional details can be found in publication PMID: 35346344, PMCID: PMC8962531

PreventionGenetics, part of Exact Sciences
Classification: Likely benign for ACTA2-related condition. Last evaluated: 2023-10-25. Review status: no assertion criteria provided. Collection method: clinical testing. Allele origin: germline. Not counted in ClinVar's aggregate classification.
Comment: This variant is classified as likely benign based on ACMG/AMP sequence variant interpretation guidelines (Richards et al. 2015 PMID: 25741868, with internal and published modifications).

NM_001613.4(ACTA2):c.132G>T (p.Gly44=)

Gene: ACTA2 (actin alpha 2, smooth muscle; minus strand). Cytogenetic location: 10q23.31.
Variant type: single nucleotide variant.
Coding change: c.132G>T on transcript NM_001613.4 (MANE Select); coding-DNA position 132, G replaced by T.
Protein change: p.Gly44=; no amino-acid change (glycine 44 retained).
Molecular consequence: synonymous variant. On other transcripts: intron variant (3).
Genome position (GRCh38, 1-based): chr10:88,947,384, C>A on the plus strand (G>T on the coding strand, the complement: ACTA2 is on the minus strand). VCF-style: chr10-88947384-C-A. GRCh37 (hg19) VCF-style: chr10-90707141-C-A.
Other names: c.132G>T, p.Gly44= (NM_001141945.3, NM_001320855.2, NM_001406462.1 and 4 more transcripts); c.129+1418G>T (NM_001406467.1, NM_001406468.1, NM_001406469.1).
Identifiers: ClinVar variation 2198817 (VCV002198817.8), dbSNP rs776403671, ClinGen allele CA026997.
Genomic context (GRCh38, chr10:88,947,384, plus strand): 5'-TCTTTTGCTCTGTGCTTCGTCACCCACGTAGCTGTCTTTTTGTCCCATTCCCACCATCAC[C>A]CCCTAAAAAGGTTCAACACATTATGAGTCAGCATCTCCCAAAACTTGTGAATCAATTACA-3'
Protein context (NP_001604.1, residues 34-54): PSIVGRPRHQ[Gly44=]VMVGMGQKDS